The following is an entry in ClinVar:

ClinVar aggregate classification (germline): Uncertain significance (1 of 4 stars; one submission).

Submission:

Labcorp Genetics (formerly Invitae), Labcorp
Classification: Uncertain significance. Last evaluated: 2025-07-06. Review status: criteria provided, single submitter. Criteria: Invitae Variant Classification Sherloc (09022015). Collection method: clinical testing. Allele origin: germline.
Comment: This sequence change falls in intron 24 of the OPA1 gene. It does not directly change the encoded amino acid sequence of the OPA1 protein. This variant is not present in population databases (gnomAD no frequency). This variant has not been reported in the literature in individuals affected with OPA1-related conditions. Algorithms developed to predict the effect of sequence changes on RNA splicing suggest that this variant may disrupt the consensus splice site. In summary, the available evidence is currently insufficient to determine the role of this variant in disease. Therefore, it has been classified as a Variant of Uncertain Significance.

NM_130837.3(OPA1):c.2661+14C>G

Gene: OPA1 (OPA1 mitochondrial dynamin like GTPase; plus strand). Cytogenetic location: 3q29.
Variant type: single nucleotide variant.
Coding change: c.2661+14C>G on transcript NM_130837.3 (MANE Select); 14 bases into the intron after coding-DNA position 2661, C replaced by G.
Molecular consequence: intron variant.
Genome position (GRCh38, 1-based): chr3:193,662,976, C>G. VCF-style: chr3-193662976-C-G. GRCh37 (hg19) VCF-style: chr3-193380765-C-G.
Other names: c.2124+14C>G (NM_001354664.2); c.2127+14C>G (NM_001354663.2); c.2550+14C>G (NM_130834.3); c.2607+14C>G (NM_130836.3); c.2496+14C>G (NM_015560.3); c.2553+14C>G (NM_130835.3); c.2442+14C>G (NM_130832.3); c.2499+14C>G (NM_130833.3); and 1 more.
Identifiers: ClinVar variation 4722772 (VCV004722772.1).
Genomic context (GRCh38, chr3:193,662,976, plus strand): 5'-TCCGGAAGAACCTTGAATCCCGAGGAGTAGAAGTAGATCCAAGCTTGGTAATAAATACTG[C>G]TGAGAAGCAGGAATCTGCTTCCTTAATATTTGTTTCTTGCAGTAAATGTTACTACATGTG-3'